The following is an entry in ClinVar:

ClinVar aggregate classification (germline): Likely pathogenic (1 of 4 stars; one submission).

Conditions:
Transcobalamin II deficiency (TCN2D). Also called: TC II DEFICIENCY; TCN2 DEFICIENCY; Transcolabamin II deficiency. Identifiers: Orphanet 859, MedGen C0342701, MONDO:0010149, OMIM 275350.

Submission:

Labcorp Genetics (formerly Invitae), Labcorp
Classification: Likely pathogenic for Transcobalamin II deficiency. Last evaluated: 2023-06-23. Review status: criteria provided, single submitter. Criteria: Invitae Variant Classification Sherloc (09022015). Collection method: clinical testing. Allele origin: germline.
Comment: Algorithms developed to predict the effect of sequence changes on RNA splicing suggest that this variant may disrupt the consensus splice site. In summary, the currently available evidence indicates that the variant is pathogenic, but additional data are needed to prove that conclusively. Therefore, this variant has been classified as Likely Pathogenic. This sequence change affects an acceptor splice site in intron 6 of the TCN2 gene. It is expected to disrupt RNA splicing. Variants that disrupt the donor or acceptor splice site typically lead to a loss of protein function (PMID: 16199547), and loss-of-function variants in TCN2 are known to be pathogenic (PMID: 7980584, 20352340). This variant is not present in population databases (gnomAD no frequency). This variant has not been reported in the literature in individuals affected with TCN2-related conditions.

Literature cited by the submitters: PubMed 16199547; PubMed 7980584; PubMed 20352340.

NM_000355.4(TCN2):c.941-2A>G

Gene: TCN2 (transcobalamin 2; plus strand). Cytogenetic location: 22q12.2.
Variant type: single nucleotide variant.
Coding change: c.941-2A>G on transcript NM_000355.4 (MANE Select); the canonical splice acceptor site of the intron before coding-DNA position 941, A replaced by G.
Molecular consequence: splice acceptor variant.
Genome position (GRCh38, 1-based): chr22:30,617,328, A>G. VCF-style: chr22-30617328-A-G. GRCh37 (hg19) VCF-style: chr22-31013315-A-G.
Other names: c.860-2A>G (NM_001184726.2).
Identifiers: ClinVar variation 2720458 (VCV002720458.3), dbSNP rs2517912354, ClinGen allele CA411215018.